The following is an entry in ClinVar:

ClinVar aggregate classification (germline): Uncertain significance (1 of 4 stars; one submission).

Conditions:
Hereditary spastic paraplegia 30. Identifiers: Orphanet 101010, MedGen C5235139, MONDO:0012476.
Neuropathy, hereditary sensory, type 2C. Also called: Hereditary sensory and autonomic neuropathy type IIC; KIF1A-Related HSAN2 (HSAN2C). Identifiers: Orphanet 970, MedGen C3280168, MONDO:0013634, OMIM 614213.
Intellectual disability, autosomal dominant 9 (NESCAVS). Also called: NESCAV SYNDROME; KIF1A-Related Neurodevelopmental Disorder. Identifiers: Orphanet 662367, MedGen C5393830, MONDO:0013656, OMIM 614255.

Allele frequency attached by ClinVar (database versions not stated): gnomAD 0.00001; TOPMed 0.00001.
gnomAD v4.1: 1 of 1,613,708 alleles (0.000062%); highest among the groups gnomAD compares: African/African-American, 0.0013%; no homozygotes.

Submission:

Labcorp Genetics (formerly Invitae), Labcorp
Classification: Uncertain significance for Hereditary spastic paraplegia 30; Neuropathy, hereditary sensory, type 2C; Intellectual disability, autosomal dominant 9. Last evaluated: 2022-10-09. Review status: criteria provided, single submitter. Criteria: Invitae Variant Classification Sherloc (09022015). Collection method: clinical testing. Allele origin: germline.
Comment: This sequence change replaces leucine, which is neutral and non-polar, with valine, which is neutral and non-polar, at codon 883 of the KIF1A protein (p.Leu883Val). This variant is not present in population databases (gnomAD no frequency). In summary, the available evidence is currently insufficient to determine the role of this variant in disease. Therefore, it has been classified as a Variant of Uncertain Significance. Algorithms developed to predict the effect of missense changes on protein structure and function (SIFT, PolyPhen-2, Align-GVGD) all suggest that this variant is likely to be disruptive. This variant has not been reported in the literature in individuals affected with KIF1A-related conditions.

NM_001244008.2(KIF1A):c.2950C>G (p.Leu984Val)

Gene: KIF1A (kinesin family member 1A; minus strand). Cytogenetic location: 2q37.3.
Variant type: single nucleotide variant.
Coding change: c.2950C>G on transcript NM_001244008.2 (MANE Select); coding-DNA position 2950, C replaced by G.
Protein change: p.Leu984Val; replaces leucine 984 with valine.
Molecular consequence: missense variant.
Genome position (GRCh38, 1-based): chr2:240,750,456, G>C on the plus strand (C>G on the coding strand, the complement: KIF1A is on the minus strand). VCF-style: chr2-240750456-G-C. GRCh37 (hg19) VCF-style: chr2-241689873-G-C.
Other names: c.2674C>G, p.Leu892Val (NM_001320705.2, NM_001330289.2, NM_001379638.1); c.2749C>G, p.Leu917Val (NM_001330290.2, NM_001379634.1, NM_001379635.1 and 1 more transcripts); c.3025C>G, p.Leu1009Val (NM_001379631.1); c.2899C>G, p.Leu967Val (NM_001379632.1); c.2923C>G, p.Leu975Val (NM_001379633.1, NM_001379642.1, NM_001379645.1); c.2647C>G, p.Leu883Val (NM_001379636.1, NM_001379639.1, NM_001379640.1 and 7 more transcripts); c.2722C>G, p.Leu908Val (NM_001379637.1, NM_001379648.1); short protein forms L917V, L883V, L908V, L967V, L1009V, L892V, L975V, L984V.
Identifiers: ClinVar variation 1982645 (VCV001982645.4), dbSNP rs2049080467, ClinGen allele CA351319993.